The following is an entry in ClinVar:

ClinVar aggregate classification (germline): Uncertain significance (1 of 4 stars; one submission).

Conditions:
SETD2-related disorder.

gnomAD v4.1: 1 of 1,614,218 alleles (0.000062%); highest among the groups gnomAD compares: Non-Finnish European, 0.000085%; no homozygotes.

Submission:

PreventionGenetics, part of Exact Sciences
Classification: Uncertain significance for SETD2-related condition. Last evaluated: 2026-07-28. Review status: criteria provided, single submitter. Criteria: ACMG Guidelines, 2015. Collection method: clinical testing. Allele origin: germline.
Comment: The SETD2 c.3722G>C variant is predicted to result in the amino acid substitution p.Cys1241Ser. To our knowledge, this variant has not been reported in the literature or in a large population database (gnomAD), indicating this variant is rare. At this time, the clinical significance of this variant is uncertain due to the absence of conclusive functional and genetic evidence.

NM_014159.7(SETD2):c.3722G>C (p.Cys1241Ser)

Gene: SETD2 (SET domain containing 2, histone lysine methyltransferase; minus strand). Cytogenetic location: 3p21.31.
Variant type: single nucleotide variant.
Coding change: c.3722G>C on transcript NM_014159.7 (MANE Select); coding-DNA position 3722, G replaced by C.
Protein change: p.Cys1241Ser; replaces cysteine 1241 with serine.
Molecular consequence: missense variant. On other transcripts: non-coding transcript variant (1).
Genome position (GRCh38, 1-based): chr3:47,120,914, C>G on the plus strand (G>C on the coding strand, the complement: SETD2 is on the minus strand). VCF-style: chr3-47120914-C-G. GRCh37 (hg19) VCF-style: chr3-47162404-C-G.
Other names: c.3590G>C, p.Cys1197Ser (NM_001349370.3); short protein forms C1241S, C1197S.
Identifiers: ClinVar variation 4989433 (VCV004989433.1).